The following is an entry in ClinVar:

NM_000143.4(FH):c.460A>C (p.Asn154His)

Gene: FH (fumarate hydratase; minus strand). Cytogenetic location: 1q43.
Variant type: single nucleotide variant.
Coding change: c.460A>C on transcript NM_000143.4 (MANE Select); coding-DNA position 460, A replaced by C.
Protein change: p.Asn154His; replaces asparagine 154 with histidine.
Molecular consequence: missense variant.
Genome position (GRCh38, 1-based): chr1:241,512,062, T>G on the plus strand (A>C on the coding strand, the complement: FH is on the minus strand). VCF-style: chr1-241512062-T-G. GRCh37 (hg19) VCF-style: chr1-241675362-T-G.
Other names: short protein forms N154H.
Identifiers: ClinVar variation 1425483 (VCV001425483.8), dbSNP rs1660099016, ClinGen allele CA345440054.

ClinVar aggregate classification (germline): Uncertain significance (1 of 4 stars; one submission).

Allele frequency attached by ClinVar (database versions not stated): gnomAD 0.00001.
gnomAD v4.1: 1 of 1,613,810 alleles (0.000062%); highest among the groups gnomAD compares: East Asian, 0.0022%; no homozygotes.

Submission:

Labcorp Genetics (formerly Invitae), Labcorp
Classification: Uncertain significance. Last evaluated: 2024-09-27. Review status: criteria provided, single submitter. Criteria: Invitae Variant Classification Sherloc (09022015). Collection method: clinical testing. Allele origin: germline.
Comment: This sequence change replaces asparagine, which is neutral and polar, with histidine, which is basic and polar, at codon 154 of the FH protein (p.Asn154His). This variant is not present in population databases (gnomAD no frequency). This missense change has been observed in individual(s) with FH-deficient papillary renal cell carcinoma (PMID: 30548481). ClinVar contains an entry for this variant (Variation ID: 1425483). Invitae Evidence Modeling of protein sequence and biophysical properties (such as structural, functional, and spatial information, amino acid conservation, physicochemical variation, residue mobility, and thermodynamic stability) indicates that this missense variant is expected to disrupt FH protein function with a positive predictive value of 95%. In summary, the available evidence is currently insufficient to determine the role of this variant in disease. Therefore, it has been classified as a Variant of Uncertain Significance.

Literature cited by the submitters: PubMed 30548481.